The following is an entry in ClinVar:

NM_004984.4(KIF5A):c.3020G>T (p.Arg1007Met)

Gene: KIF5A (kinesin family member 5A; plus strand). Cytogenetic location: 12q13.3.
Variant type: single nucleotide variant.
Coding change: c.3020G>T on transcript NM_004984.4 (MANE Select); coding-DNA position 3020, G replaced by T.
Protein change: p.Arg1007Met; replaces arginine 1007 with methionine.
Molecular consequence: missense variant.
Genome position (GRCh38, 1-based): chr12:57,582,629, G>T. VCF-style: chr12-57582629-G-T. GRCh37 (hg19) VCF-style: chr12-57976412-G-T.
Other names: c.2753G>T, p.Arg918Met (NM_001354705.2); short protein forms R918M, R1007M.
Identifiers: ClinVar variation 2812098 (VCV002812098.3), dbSNP rs1060502523, ClinGen allele CA385517112.

ClinVar aggregate classification (germline): Uncertain significance (1 of 4 stars; one submission).

Conditions:
Spastic paraplegia. Identifiers: MedGen C0037772, HP:0001258.

Submission:

Labcorp Genetics (formerly Invitae), Labcorp
Classification: Uncertain significance for Spastic paraplegia. Last evaluated: 2022-11-04. Review status: criteria provided, single submitter. Criteria: Invitae Variant Classification Sherloc (09022015). Collection method: clinical testing. Allele origin: germline.
Comment: In summary, the available evidence is currently insufficient to determine the role of this variant in disease. Therefore, it has been classified as a Variant of Uncertain Significance. This variant disrupts the c.3020G nucleotide in the KIF5A gene. Other variant(s) that disrupt this nucleotide have been determined to be pathogenic (PMID: 29566793; Invitae). This suggests that this nucleotide is clinically significant, and that variants that disrupt this position are likely to be disease-causing. Variants that disrupt the consensus splice site are a relatively common cause of aberrant splicing (PMID: 17576681, 9536098). Algorithms developed to predict the effect of sequence changes on RNA splicing suggest that this variant may disrupt the consensus splice site. Algorithms developed to predict the effect of missense changes on protein structure and function are either unavailable or do not agree on the potential impact of this missense change (SIFT: "Deleterious"; PolyPhen-2: "Probably Damaging"; Align-GVGD: "Class C0"). This variant has not been reported in the literature in individuals affected with KIF5A-related conditions. This variant is not present in population databases (gnomAD no frequency). This sequence change replaces arginine, which is basic and polar, with methionine, which is neutral and non-polar, at codon 1007 of the KIF5A protein (p.Arg1007Met). This variant also falls at the last nucleotide of exon 27, which is part of the consensus splice site for this exon.

Literature cited by the submitters: PubMed 29566793; PubMed 17576681; PubMed 9536098.